The following is an entry in ClinVar:

ClinVar aggregate classification (germline): Uncertain significance (1 of 4 stars; one submission).

Allele frequency attached by ClinVar (database versions not stated): TOPMed below 0.00001; gnomAD 0.00001.
gnomAD v4.1: 2 of 1,613,526 alleles (0.00012%); highest among the groups gnomAD compares: African/African-American, 0.0027%; no homozygotes.

Submission:

Labcorp Genetics (formerly Invitae), Labcorp
Classification: Uncertain significance. Last evaluated: 2022-08-07. Review status: criteria provided, single submitter. Criteria: Invitae Variant Classification Sherloc (09022015). Collection method: clinical testing. Allele origin: germline.
Comment: Advanced modeling of protein sequence and biophysical properties (such as structural, functional, and spatial information, amino acid conservation, physicochemical variation, residue mobility, and thermodynamic stability) performed at Invitae indicates that this missense variant is not expected to disrupt AARS2 protein function. In summary, the available evidence is currently insufficient to determine the role of this variant in disease. Therefore, it has been classified as a Variant of Uncertain Significance. This variant has not been reported in the literature in individuals affected with AARS2-related conditions. This variant is not present in population databases (gnomAD no frequency). This sequence change replaces methionine, which is neutral and non-polar, with threonine, which is neutral and polar, at codon 343 of the AARS2 protein (p.Met343Thr).

NM_020745.4(AARS2):c.1028T>C (p.Met343Thr)

Gene: AARS2 (alanyl-tRNA synthetase 2, mitochondrial; minus strand). Cytogenetic location: 6p21.1.
Variant type: single nucleotide variant.
Coding change: c.1028T>C on transcript NM_020745.4 (MANE Select); coding-DNA position 1028, T replaced by C.
Protein change: p.Met343Thr; replaces methionine 343 with threonine.
Molecular consequence: missense variant.
Genome position (GRCh38, 1-based): chr6:44,307,261, A>G on the plus strand (T>C on the coding strand, the complement: AARS2 is on the minus strand). VCF-style: chr6-44307261-A-G. GRCh37 (hg19) VCF-style: chr6-44274998-A-G.
Other names: short protein forms M343T.
Identifiers: ClinVar variation 1715504 (VCV001715504.6), dbSNP rs755564297, ClinGen allele CA364340140.
Genomic context (GRCh38, chr6:44,307,261, plus strand): 5'-TGAGACCCCCAGCAGCCCCTGTCCTCTCTGTAGCCCTTCCAGACTCACGGGGGACCTGAC[A>G]TCCCAGGGAAGATGCCATCAGAGATGCAGACACTGAGTGTGCGGATGTGGTCAGCCACCA-3'
Protein context (NP_065796.2, residues 333-353): VCISDGIFPG[Met343Thr]SGPPLVLRRI